The following is an entry in ClinVar:

NC_000017.10:g.(?_78078341)_(78093140_?)dup

Gene: GAA (alpha glucosidase; plus strand). Cytogenetic location: 17q25.3.
Variant type: Duplication.
Identifiers: ClinVar variation 647475 (VCV000647475.2).

ClinVar aggregate classification (germline): Uncertain significance (1 of 4 stars; one submission).

Conditions:
Glycogen storage disease, type II (IOPD). Also called: Pompe Disease; Glucosidase acid-1,4-alpha deficiency; GLYCOGENOSIS, GENERALIZED, CARDIAC FORM; GSD II; POMPE DISEASE, INFANTILE-ONSET; GLYCOGEN STORAGE DISEASE II, INFANTILE-ONSET. Identifiers: Orphanet 365, MedGen C0017921, MONDO:0009290, OMIM 232300.

Submission:

Labcorp Genetics (formerly Invitae), Labcorp
Classification: Uncertain significance for Glycogen storage disease, type II. Last evaluated: 2019-10-29. Review status: criteria provided, single submitter. Criteria: Invitae Variant Classification Sherloc (09022015). Collection method: clinical testing. Allele origin: germline.
Comment: A gross duplication of the genomic region encompassing the full coding sequence of the GAA gene has been identified. The boundaries of this event are unknown as the duplication extends beyond the assayed region for this gene and therefore may encompass additional genes. As the precise location of this duplication is unknown, it may be in tandem or it may be located elsewhere in the genome. This variant has not been reported in the literature in individuals with GAA-related disease. Experimental studies and prediction algorithms are not available for this variant, and the functional significance of the whole gene duplication is currently unknown. In summary, the available evidence is currently insufficient to determine the role of this variant in disease. Therefore, it has been classified as a Variant of Uncertain Significance.